The following is an entry in ClinVar:

NM_000540.3(RYR1):c.14063A>G (p.Tyr4688Cys)

Gene: RYR1 (ryanodine receptor 1; plus strand). Cytogenetic location: 19q13.2.
Variant type: single nucleotide variant.
Coding change: c.14063A>G on transcript NM_000540.3 (MANE Select); coding-DNA position 14063, A replaced by G.
Protein change: p.Tyr4688Cys; replaces tyrosine 4688 with cysteine.
Molecular consequence: missense variant.
Genome position (GRCh38, 1-based): chr19:38,573,241, A>G. VCF-style: chr19-38573241-A-G. GRCh37 (hg19) VCF-style: chr19-39063881-A-G.
Other names: c.14048A>G, p.Tyr4683Cys (NM_001042723.2); short protein forms Y4688C, Y4683C.
Identifiers: ClinVar variation 1901476 (VCV001901476.7), dbSNP rs2514718428, ClinGen allele CA405682285.

ClinVar aggregate classification (germline): Uncertain significance. Review status: criteria provided, multiple submitters, no conflicts (2 of 4 stars). 2 submissions from 2 submitters: Uncertain significance (2). Last evaluated 2022-10-01.

Conditions:
RYR1-related disorder. Also called: RYR1-related condition; RYR1-related disorders. Identifiers: MedGen CN239331.

Submissions (2):

Labcorp Genetics (formerly Invitae), Labcorp
Classification: Uncertain significance for RYR1-related disorder. Last evaluated: 2022-10-01. Review status: criteria provided, single submitter. Criteria: Invitae Variant Classification Sherloc (09022015). Collection method: clinical testing. Allele origin: germline.
Comment: In summary, the available evidence is currently insufficient to determine the role of this variant in disease. Therefore, it has been classified as a Variant of Uncertain Significance. Advanced modeling of protein sequence and biophysical properties (such as structural, functional, and spatial information, amino acid conservation, physicochemical variation, residue mobility, and thermodynamic stability) performed at Invitae indicates that this missense variant is expected to disrupt RYR1 protein function. This variant has not been reported in the literature in individuals affected with RYR1-related conditions. This variant is not present in population databases (gnomAD no frequency). This sequence change replaces tyrosine, which is neutral and polar, with cysteine, which is neutral and slightly polar, at codon 4688 of the RYR1 protein (p.Tyr4688Cys).

Revvity Omics, Revvity
Classification: Uncertain significance. Last evaluated: 2019-04-03. Review status: criteria provided, single submitter. Criteria: ACMG Guidelines, 2015. Collection method: clinical testing. Allele origin: germline.